The following is an entry in ClinVar:

ClinVar aggregate classification (germline): Uncertain significance (1 of 4 stars; one submission).

Conditions:
Severe combined immunodeficiency due to DNA-PKcs deficiency. Also called: IMMUNODEFICIENCY 26 WITH NEUROLOGIC ABNORMALITIES; Immunodeficiency 26 with or without neurologic abnormalities. Identifiers: Orphanet 317425, MedGen C4014833, MONDO:0014423, OMIM 615966.

Allele frequency attached by ClinVar (database versions not stated): gnomAD exomes 0.00001; 1000 Genomes Project 0.00020; gnomAD 0.00001; ExAC 0.00002; 1000 Genomes Project 30x 0.00031.
gnomAD v4.1: 8 of 1,606,200 alleles (0.0005%); highest among the groups gnomAD compares: South Asian, 0.0078%; no homozygotes.

Submission:

Labcorp Genetics (formerly Invitae), Labcorp
Classification: Uncertain significance for Severe combined immunodeficiency due to DNA-PKcs deficiency. Last evaluated: 2025-02-24. Review status: criteria provided, single submitter. Criteria: Invitae Variant Classification Sherloc (09022015). Collection method: clinical testing. Allele origin: germline.
Comment: This sequence change replaces serine, which is neutral and polar, with glycine, which is neutral and non-polar, at codon 3047 of the PRKDC protein (p.Ser3047Gly). This variant is present in population databases (rs545077302, gnomAD 0.007%). This variant has not been reported in the literature in individuals affected with PRKDC-related conditions. ClinVar contains an entry for this variant (Variation ID: 1956882). Invitae Evidence Modeling of protein sequence and biophysical properties (such as structural, functional, and spatial information, amino acid conservation, physicochemical variation, residue mobility, and thermodynamic stability) indicates that this missense variant is not expected to disrupt PRKDC protein function with a negative predictive value of 80%. In summary, the available evidence is currently insufficient to determine the role of this variant in disease. Therefore, it has been classified as a Variant of Uncertain Significance.

NM_006904.7(PRKDC):c.9139A>G (p.Ser3047Gly)

Gene: PRKDC (protein kinase, DNA-activated, catalytic subunit; minus strand). Cytogenetic location: 8q11.21.
Variant type: single nucleotide variant.
Coding change: c.9139A>G on transcript NM_006904.7 (MANE Select); coding-DNA position 9139, A replaced by G.
Protein change: p.Ser3047Gly; replaces serine 3047 with glycine.
Molecular consequence: missense variant.
Genome position (GRCh38, 1-based): chr8:47,820,916, T>C on the plus strand (A>G on the coding strand, the complement: PRKDC is on the minus strand). VCF-style: chr8-47820916-T-C. GRCh37 (hg19) VCF-style: chr8-48733477-T-C.
Other names: c.9139A>G, p.Ser3047Gly (NM_001081640.2); short protein forms S3047G.
Identifiers: ClinVar variation 1956882 (VCV001956882.5), dbSNP rs545077302, ClinGen allele CA4739657.
Genomic context (GRCh38, chr8:47,820,916, plus strand): 5'-TGTCAATAAATGTCAGCAGGGACTGGTCAGCCTCTCCCTGGAGCAGCAGCTTCAGCTTGC[T>C]GCGGATCATGTAAGGTAGATATGTTTCCTAAGGAACATAAAAATATACTTGTAACTACAG-3'
Protein context (NP_008835.5, residues 3037-3057): QETYLPYMIR[Ser3047Gly]KLKLLLQGEA